The following is an entry in ClinVar:

NM_000717.5(CA4):c.131G>A (p.Gly44Glu)

Gene: CA4 (carbonic anhydrase 4; plus strand). Cytogenetic location: 17q23.1.
Variant type: single nucleotide variant.
Coding change: c.131G>A on transcript NM_000717.5 (MANE Select); coding-DNA position 131, G replaced by A.
Protein change: p.Gly44Glu; replaces glycine 44 with glutamic acid.
Molecular consequence: missense variant. On other transcripts: non-coding transcript variant (1).
Genome position (GRCh38, 1-based): chr17:60,156,578, G>A. VCF-style: chr17-60156578-G-A. GRCh37 (hg19) VCF-style: chr17-58233939-G-A.
Other names: short protein forms G44E.
Identifiers: ClinVar variation 1450433 (VCV001450433.8), dbSNP rs1003321675, ClinGen allele CA292204919.

ClinVar aggregate classification (germline): Uncertain significance (1 of 4 stars; one submission).

Allele frequency attached by ClinVar (database versions not stated): gnomAD 0.00001; TOPMed 0.00002.

Submission:

Labcorp Genetics (formerly Invitae), Labcorp
Classification: Uncertain significance. Last evaluated: 2021-06-24. Review status: criteria provided, single submitter. Criteria: Invitae Variant Classification Sherloc (09022015). Collection method: clinical testing. Allele origin: germline.
Comment: In summary, the available evidence is currently insufficient to determine the role of this variant in disease. Therefore, it has been classified as a Variant of Uncertain Significance. This sequence change replaces glycine with glutamic acid at codon 44 of the CA4 protein (p.Gly44Glu). The glycine residue is weakly conserved and there is a moderate physicochemical difference between glycine and glutamic acid. This variant is not present in population databases (ExAC no frequency). This variant has not been reported in the literature in individuals affected with CA4-related conditions. Algorithms developed to predict the effect of missense changes on protein structure and function output the following: SIFT: "Not Available"; PolyPhen-2: "Benign"; Align-GVGD: "Not Available". The glutamic acid amino acid residue is found in multiple mammalian species, which suggests that this missense change does not adversely affect protein function.